The following is an entry in ClinVar:

ClinVar aggregate classification (germline): Benign/Likely benign. Review status: criteria provided, multiple submitters, no conflicts (2 of 4 stars). 18 submissions from 17 submitters: Benign (10); Likely benign (4). 4 of the submissions do not count toward it. Last evaluated 2026-02-03.

Conditions:
Cardiovascular phenotype. Identifiers: MedGen CN230736.
Cardiomyopathy (CMYO). Also called: Cardiomyopathies. Identifiers: Orphanet 167848, MedGen C0878544, MONDO:0004994, HP:0001638. Inheritance: Various modes of inheritance.
Catecholaminergic polymorphic ventricular tachycardia 1. Also called: VENTRICULAR TACHYCARDIA, STRESS-INDUCED POLYMORPHIC 1; VENTRICULAR TACHYCARDIA, CATECHOLAMINERGIC POLYMORPHIC, 1, WITH OR WITHOUT ATRIAL DYSFUNCTION AND/OR DILATED CARDIOMYOPATHY; RYR2-Related Catecholaminergic Polymorphic Ventricular Tachycardia. Identifiers: Orphanet 3286, MedGen C1631597, MONDO:0011484, OMIM 604772.
Arrhythmogenic right ventricular dysplasia 2. Identifiers: MedGen C1832931.
Catecholaminergic polymorphic ventricular tachycardia (CVPT). Also called: Catecholamine-induced polymorphic ventricular tachycardia. Identifiers: Orphanet 3286, MedGen C5574922, MONDO:0017990.

Allele frequency attached by ClinVar (database versions not stated): ESP Exome Variant Server 0.01160; gnomAD 0.01378 and 0.01462; TOPMed 0.01518; 1000 Genomes Project 0.01777; 1000 Genomes Project 30x 0.01921; gnomAD exomes 0.00143 and 0.00362; ExAC 0.00420.
gnomAD v4.1: 4,256 of 1,611,154 alleles (0.26%); highest among the groups gnomAD compares: African/African-American, 4.6%; 107 homozygotes.

Submissions (18):

Labcorp Genetics (formerly Invitae), Labcorp
Classification: Benign for Catecholaminergic polymorphic ventricular tachycardia 1. Last evaluated: 2026-02-03. Review status: criteria provided, single submitter. Criteria: Invitae Variant Classification Sherloc (09022015). Collection method: clinical testing. Allele origin: germline.

ARUP Laboratories, Molecular Genetics and Genomics, ARUP Laboratories
Classification: Benign. Last evaluated: 2025-07-08. Review status: criteria provided, single submitter. Criteria: ARUP Molecular Germline Variant Investigation Process 2024. Collection method: clinical testing. Allele origin: germline.

Molecular Diagnostic Laboratory for Inherited Cardiovascular Disease, Montreal Heart Institute
Classification: Likely benign. Last evaluated: 2025-04-09. Review status: criteria provided, single submitter. Criteria: ACMG Guidelines, 2015. Collection method: clinical testing. Allele origin: germline. Affected: no.

All of Us Research Program, National Institutes of Health
Classification: Benign for Catecholaminergic polymorphic ventricular tachycardia. Last evaluated: 2024-10-01. Review status: criteria provided, single submitter. Criteria: ACMG Guidelines, 2015. Collection method: clinical testing. Allele origin: germline. Inheritance: Autosomal dominant inheritance. Observed: 1,171 variant alleles, 1,143 heterozygotes, 28 homozygotes.
Comment: This study involves interpretation of variants in research participants for the purpose of population health screening. Participant phenotype was not available at the time of variant classification. Additional details can be found in publication PMID: 35346344, PMCID: PMC8962531

Illumina Laboratory Services, Illumina
Classification: Likely benign for Catecholaminergic polymorphic ventricular tachycardia 1. Last evaluated: 2018-04-05. Review status: criteria provided, single submitter. Criteria: ICSL Variant Classification Criteria 13 December 2019. Collection method: clinical testing. Allele origin: germline.
Comment: This variant was observed as part of a predisposition screen in an ostensibly healthy population. A literature search was performed for the gene, cDNA change, and amino acid change (where applicable). Publications were found based on this search. The evidence from the literature, in combination with allele frequency data from public databases where available, was sufficient to determine this variant is unlikely to cause disease. Therefore, this variant is classified as likely benign.

Illumina Laboratory Services, Illumina
Classification: Likely benign for Catecholaminergic polymorphic ventricular tachycardia 1. Last evaluated: 2018-04-05. Review status: criteria provided, single submitter. Criteria: ICSL Variant Classification Criteria 13 December 2019. Collection method: clinical testing. Allele origin: germline.
Comment: This variant was observed as part of a predisposition screen in an ostensibly healthy population. A literature search was performed for the gene, cDNA change, and amino acid change (where applicable). No publications were found based on this search. Allele frequency data from public databases allowed determination this variant is unlikely to cause disease. Therefore, this variant is classified as likely benign.

Color Diagnostics, LLC DBA Color Health
Classification: Benign for Cardiomyopathy. Last evaluated: 2018-03-15. Review status: criteria provided, single submitter. Criteria: ACMG Guidelines, 2015. Collection method: clinical testing. Allele origin: germline.

Mayo Clinic Laboratories, Mayo Clinic
Classification: Benign. Last evaluated: 2017-05-04. Review status: criteria provided, single submitter. Criteria: ACMG Guidelines, 2015. Collection method: clinical testing. Allele origin: germline. Observed: 18 variant alleles.

GeneDx
Classification: Benign. Last evaluated: 2015-03-03. Review status: criteria provided, single submitter. Criteria: GeneDx Variant Classification Process June 2021. Collection method: clinical testing. Allele origin: germline. Affected: yes.

Ambry Genetics
Classification: Benign for Cardiovascular phenotype. Last evaluated: 2014-12-08. Review status: criteria provided, single submitter. Criteria: Ambry Variant Classification Scheme 2023. Collection method: clinical testing. Allele origin: germline.

Biesecker Lab/Clinical Genomics Section, National Institutes of Health
Classification: Benign. Last evaluated: 2013-06-24. Review status: criteria provided, single submitter. Criteria: Ng et al. (Circ Cardiovasc Genet. 2013). Collection method: research. Allele origin: unknown. Observed: 2 variant alleles. Study: ClinSeq.
Comment: The study set was not selected for affection status in relation to any cancer. Pathogenicity categories were based on literature curation. See Pubmed ID:23861362 for details.

Medical sequencing

Laboratory for Molecular Medicine, Mass General Brigham Personalized Medicine
Classification: Benign. Last evaluated: 2012-05-10. Review status: criteria provided, single submitter. Criteria: LMM Criteria. Collection method: clinical testing. Allele origin: germline. Observed: 24 variant alleles.
Comment: Val507Ile in exon 16 of RYR2: This variant is not expected to have clinical sign ificance because it has been identified in 3.5% (112/3188) of African American c hromosomes from a broad population by the NHLBI Exome Sequencing Project (dbSNP rs16835270)

Breakthrough Genomics
Classification: Likely benign. Review status: criteria provided, single submitter. Criteria: ACMG Guidelines, 2015. Collection method: not provided. Allele origin: germline. Inheritance: Autosomal dominant inheritance. Affected: yes.

PreventionGenetics, part of Exact Sciences
Classification: Benign. Review status: criteria provided, single submitter. Criteria: ACMG Guidelines, 2015. Collection method: clinical testing. Allele origin: germline.

Cohesion Phenomics
Classification: Likely benign for Catecholaminergic polymorphic ventricular tachycardia. Last evaluated: 2022-09-23. Review status: no assertion criteria provided. Criteria: ACMG Guidelines, 2015. Collection method: clinical testing. Allele origin: germline. Affected: yes. Not counted in ClinVar's aggregate classification.

Clinical Genetics DNA and cytogenetics Diagnostics Lab, Erasmus MC, Erasmus Medical Center
Classification: Benign. Review status: no assertion criteria provided. Collection method: clinical testing. Allele origin: germline. Affected: yes. Study: VKGL Data-share Consensus. Not counted in ClinVar's aggregate classification.

Clinical Genetics, Academic Medical Center
Classification: Benign. Review status: no assertion criteria provided. Collection method: clinical testing. Allele origin: germline. Affected: yes. Study: VKGL Data-share Consensus. Not counted in ClinVar's aggregate classification.

Genome Diagnostics Laboratory, University Medical Center Utrecht
Classification: Benign. Review status: no assertion criteria provided. Collection method: clinical testing. Allele origin: germline. Affected: yes. Study: VKGL Data-share Consensus. Not counted in ClinVar's aggregate classification.

Literature cited by the submitters: PubMed 23286974 (cited by Illumina Laboratory Services, Illumina); PubMed 21659649 (cited by Illumina Laboratory Services, Illumina); PubMed 19926015 (cited by Illumina Laboratory Services, Illumina); PubMed 23820649 (cited by Illumina Laboratory Services, Illumina).

NM_001035.3(RYR2):c.1519G>A (p.Val507Ile)

Gene: RYR2 (ryanodine receptor 2; plus strand). Cytogenetic location: 1q43.
Variant type: single nucleotide variant.
Coding change: c.1519G>A on transcript NM_001035.3 (MANE Select); coding-DNA position 1519, G replaced by A.
Protein change: p.Val507Ile; replaces valine 507 with isoleucine.
Molecular consequence: missense variant.
Genome position (GRCh38, 1-based): chr1:237,456,642, G>A. VCF-style: chr1-237456642-G-A. GRCh37 (hg19) VCF-style: chr1-237619942-G-A.
Other names: short protein forms V507I.
Identifiers: ClinVar variation 43750 (VCV000043750.44), dbSNP rs16835270, ClinGen allele CA008480.